The following is an entry in ClinVar:

NM_006180.6(NTRK2):c.1957G>A (p.Val653Met)

Gene: NTRK2 (neurotrophic receptor tyrosine kinase 2; plus strand). Cytogenetic location: 9q21.33.
Variant type: single nucleotide variant.
Coding change: c.1957G>A on transcript NM_006180.6 (MANE Select); coding-DNA position 1957, G replaced by A.
Protein change: p.Val653Met; replaces valine 653 with methionine.
Molecular consequence: missense variant.
Genome position (GRCh38, 1-based): chr9:84,955,302, G>A. VCF-style: chr9-84955302-G-A. GRCh37 (hg19) VCF-style: chr9-87570217-G-A.
Other names: c.1957G>A (NM_006180.3, NM_006180.4); c.1909G>A, p.Val637Met (NM_001018064.3, NM_001369532.1, NM_001369533.1); c.1873G>A, p.Val625Met (NM_001369534.1); c.1441G>A, p.Val481Met (NM_001369535.1); c.1489G>A, p.Val497Met (NM_001369536.1); c.1957G>A, p.Val653Met (NM_001381928.1); short protein forms V625M, V481M, V497M, V637M, V653M.
Identifiers: ClinVar variation 2051072 (VCV002051072.7), dbSNP rs200114699, ClinGen allele CA5105894.
Genomic context (GRCh38, chr9:84,955,302, plus strand): 5'-ATGCTGAGGCCCCCAGCTTCATTCTCCATGTCCTTCCCCAGGGCACACGGCCCTGATGCC[G>A]TGCTGATGGCTGAGGGCAACCCGCCCACGGAACTGACGCAGTCGCAGATGCTGCATATAG-3'
Protein context (NP_006171.2, residues 643-663): KFLRAHGPDA[Val653Met]LMAEGNPPTE

ClinVar aggregate classification (germline): Uncertain significance. Review status: criteria provided, multiple submitters, no conflicts (2 of 4 stars). 3 submissions from 3 submitters: Uncertain significance (3). Last evaluated 2026-06-23.

Conditions:
NTRK2-related disorder. Also called: NTRK2-related condition.
Inborn genetic diseases. Identifiers: MedGen C0950123, MeSH D030342.

Allele frequency attached by ClinVar (database versions not stated): gnomAD 0.00001; TOPMed 0.00002; ExAC 0.00005.
gnomAD v4.1: 40 of 1,606,236 alleles (0.0025%); highest among the groups gnomAD compares: South Asian, 0.0067%; no homozygotes.

Submissions (3):

PreventionGenetics, part of Exact Sciences
Classification: Uncertain significance for NTRK2-related condition. Last evaluated: 2026-06-23. Review status: criteria provided, single submitter. Criteria: ACMG Guidelines, 2015. Collection method: clinical testing. Allele origin: germline.
Comment: The NTRK2 c.1957G>A variant is predicted to result in the amino acid substitution p.Val653Met. To our knowledge, this variant has not been reported in the literature. This variant is reported in 0.0069% of alleles in individuals of South Asian descent in gnomAD. At this time, the clinical significance of this variant is uncertain due to the absence of conclusive functional and genetic evidence.

Labcorp Genetics (formerly Invitae), Labcorp
Classification: Uncertain significance. Last evaluated: 2024-03-10. Review status: criteria provided, single submitter. Criteria: Invitae Variant Classification Sherloc (09022015). Collection method: clinical testing. Allele origin: germline.
Comment: This sequence change replaces valine, which is neutral and non-polar, with methionine, which is neutral and non-polar, at codon 653 of the NTRK2 protein (p.Val653Met). The frequency data for this variant in the population databases is considered unreliable, as metrics indicate poor data quality at this position in the gnomAD database. This variant has not been reported in the literature in individuals affected with NTRK2-related conditions. ClinVar contains an entry for this variant (Variation ID: 2051072). Advanced modeling of protein sequence and biophysical properties (such as structural, functional, and spatial information, amino acid conservation, physicochemical variation, residue mobility, and thermodynamic stability) performed at Invitae indicates that this missense variant is not expected to disrupt NTRK2 protein function with a negative predictive value of 80%. In summary, the available evidence is currently insufficient to determine the role of this variant in disease. Therefore, it has been classified as a Variant of Uncertain Significance.

Ambry Genetics
Classification: Uncertain significance for Inborn genetic diseases. Last evaluated: 2023-01-20. Review status: criteria provided, single submitter. Criteria: Ambry Variant Classification Scheme 2023. Collection method: clinical testing. Allele origin: germline.